The following is an entry in ClinVar:

ClinVar aggregate classification (germline): Uncertain significance (1 of 4 stars; one submission).

Conditions:
Arrhythmogenic right ventricular dysplasia 8 (ARVD8). Also called: Arrhythmogenic Right Ventricular Dysplasia/Cardiomyopathy 8; ARRHYTHMOGENIC RIGHT VENTRICULAR DYSPLASIA, FAMILIAL, 8; ARRHYTHMOGENIC RIGHT VENTRICULAR CARDIOMYOPATHY 8. Identifiers: MedGen C1843896, MONDO:0011831, OMIM 607450.
Arrhythmogenic cardiomyopathy with wooly hair and keratoderma. Also called: PALMOPLANTAR KERATODERMA WITH LEFT VENTRICULAR CARDIOMYOPATHY AND WOOLLY HAIR; Dilated cardiomyopathy with woolly hair and keratoderma; Arrhythmogenic cardiomyopathy with woolly hair and keratoderma; Carvajal syndrome. Identifiers: Orphanet 65282, MedGen C1854063, MONDO:0011581, OMIM 605676.

gnomAD v4.1: 2 of 1,613,776 alleles (0.00012%); highest among the groups gnomAD compares: Middle Eastern, 0.016%; no homozygotes.

Submission:

Labcorp Genetics (formerly Invitae), Labcorp
Classification: Uncertain significance for Arrhythmogenic cardiomyopathy with wooly hair and keratoderma; Arrhythmogenic right ventricular dysplasia 8. Last evaluated: 2026-01-04. Review status: criteria provided, single submitter. Criteria: Invitae Variant Classification Sherloc (09022015). Collection method: clinical testing. Allele origin: germline.
Comment: This sequence change replaces arginine, which is basic and polar, with threonine, which is neutral and polar, at codon 1186 of the DSP protein (p.Arg1186Thr). This variant is not present in population databases (gnomAD no frequency). This variant has not been reported in the literature in individuals affected with DSP-related conditions. An algorithm developed to predict the effect of missense changes on protein structure and function (PolyPhen-2) suggests that this variant is likely to be disruptive. In summary, the available evidence is currently insufficient to determine the role of this variant in disease. Therefore, it has been classified as a Variant of Uncertain Significance.

NM_004415.4(DSP):c.3557G>C (p.Arg1186Thr)

Gene: DSP (desmoplakin; plus strand). Cytogenetic location: 6p24.3.
Variant type: single nucleotide variant.
Coding change: c.3557G>C on transcript NM_004415.4 (MANE Select); coding-DNA position 3557, G replaced by C.
Protein change: p.Arg1186Thr; replaces arginine 1186 with threonine.
Molecular consequence: missense variant.
Genome position (GRCh38, 1-based): chr6:7,579,747, G>C. VCF-style: chr6-7579747-G-C. GRCh37 (hg19) VCF-style: chr6-7579980-G-C.
Other names: c.3557G>C, p.Arg1186Thr (NM_001008844.3, NM_001319034.2); short protein forms R1186T.
Identifiers: ClinVar variation 4794399 (VCV004794399.1).
Genomic context (GRCh38, chr6:7,579,747, plus strand): 5'-AGAAGGAGTACGAGATTGAAAGGTTGAGGGTTCTACTGCAGGAAGAAGGCACCCGGAAGA[G>C]AGAATATGAAAATGAGCTGGCAAAGGTAAGAAACCACTATAATGAGGAGATGAGTAATTT-3'
Protein context (NP_004406.2, residues 1176-1196): VLLQEEGTRK[Arg1186Thr]EYENELAKVR